The following is an entry in ClinVar:

NM_172351.3(CD46):c.607A>T (p.Ile203Phe)

Gene: CD46 (CD46 molecule; plus strand). Cytogenetic location: 1q32.2.
Variant type: single nucleotide variant.
Coding change: c.607A>T on transcript NM_172351.3 (MANE Select); coding-DNA position 607, A replaced by T.
Protein change: p.Ile203Phe; replaces isoleucine 203 with phenylalanine.
Molecular consequence: missense variant.
Genome position (GRCh38, 1-based): chr1:207,761,380, A>T. VCF-style: chr1-207761380-A-T. GRCh37 (hg19) VCF-style: chr1-207934725-A-T.
Other names: c.607A>T, p.Ile203Phe (NM_002389.4, NM_153826.4, NM_172350.3 and 8 more transcripts); short protein forms I203F.
Identifiers: ClinVar variation 4540432 (VCV004540432.1).

ClinVar aggregate classification (germline): Uncertain significance (1 of 4 stars; one submission).

Conditions:
Atypical hemolytic-uremic syndrome with MCP/CD46 anomaly. Also called: HEMOLYTIC UREMIC SYNDROME, ATYPICAL, SUSCEPTIBILITY TO, 2; AHUS, SUSCEPTIBILITY TO, 2. Identifiers: Orphanet 2134, MedGen C2752040, MONDO:0013040, OMIM 612922.

Submission:

MVZ Medizinische Genetik Mainz
Classification: Uncertain significance for Atypical hemolytic-uremic syndrome with MCP/CD46 anomaly. Last evaluated: 2022-10-14. Review status: criteria provided, single submitter. Criteria: UK Practice Guidelines For Variant Classification V4 01 2020. Collection method: clinical testing. Allele origin: germline. Inheritance: Autosomal dominant inheritance. Affected: yes. Observed: 1 variant allele.
Comment: ACMG Criteria: PM1_SUP, PM2_SUP, BP4